The following is an entry in ClinVar:

NM_004586.3(RPS6KA3):c.1606del (p.Val536fs)

Gene: RPS6KA3 (ribosomal protein S6 kinase A3; minus strand). Cytogenetic location: Xp22.12.
Variant type: Deletion.
Coding change: c.1606del on transcript NM_004586.3 (MANE Select); coding-DNA position 1606, one base deleted (G; older notation c.1606delG).
Protein change: p.Val536fs; shifts the reading frame from valine 536.
Molecular consequence: frameshift variant.
Genome position (GRCh38, 1-based): chrX:20,165,057, C deleted on the plus strand (G on the coding strand, the reverse complement: RPS6KA3 is on the minus strand); the first of 2 consecutive C bases (chrX:20,165,057-20,165,058); deleting either gives the same sequence. VCF-style (leftmost placement, unchanged base first): chrX-20165056-AC-A. GRCh37 (hg19) VCF-style: chrX-20183174-AC-A.
Other names: short protein forms V536fs.
Identifiers: ClinVar variation 2632796 (VCV002632796.3), dbSNP rs2519625438, ClinGen allele CA2695200162.
Genomic context (GRCh38, chrX:20,165,056, plus strand): 5'-GATTCCGGATTACCAGATTCATCCACATAAAGAATGTTGCTAGGTTTCAAGTCTCTATGA[AC>A]CACCTAATTGAAATACAAATTAAAGAGTTATGTTAACAATATATTTCCATTACTGAAAGT-3'

ClinVar aggregate classification (germline): Likely pathogenic (0 of 4 stars; one submission).

Conditions:
RPS6KA3-related disorder. Also called: RPS6KA3-related condition.

Submission:

PreventionGenetics, part of Exact Sciences
Classification: Likely pathogenic for RPS6KA3-related condition. Last evaluated: 2024-06-20. Review status: no assertion criteria provided. Collection method: clinical testing. Allele origin: germline.
Comment: The RPS6KA3 c.1606delG variant is predicted to result in a frameshift and premature protein termination (p.Val536Phefs*5). To our knowledge, this variant has not been reported in the literature or in a large population database, indicating it is rare. Frameshift variants in RPS6KA3 are expected to be pathogenic. This variant is interpreted as likely pathogenic.